The following is an entry in ClinVar:

ClinVar aggregate classification (germline): Uncertain significance (1 of 4 stars; one submission).

Allele frequency attached by ClinVar (database versions not stated): gnomAD exomes 0.00001.
gnomAD v4.1: 7 of 1,167,218 alleles (0.0006%); highest among the groups gnomAD compares: East Asian, 0.003%; no homozygotes.

Submission:

Labcorp Genetics (formerly Invitae), Labcorp
Classification: Uncertain significance. Last evaluated: 2023-01-04. Review status: criteria provided, single submitter. Criteria: Invitae Variant Classification Sherloc (09022015). Collection method: clinical testing. Allele origin: germline.
Comment: In summary, the available evidence is currently insufficient to determine the role of this variant in disease. Therefore, it has been classified as a Variant of Uncertain Significance. Algorithms developed to predict the effect of missense changes on protein structure and function are either unavailable or do not agree on the potential impact of this missense change (SIFT: "Deleterious"; PolyPhen-2: "Possibly Damaging"; Align-GVGD: "Class C0"). This variant has not been reported in the literature in individuals affected with MAGED2-related conditions. The frequency data for this variant in the population databases is considered unreliable, as metrics indicate poor data quality at this position in the gnomAD database. This sequence change replaces threonine, which is neutral and polar, with methionine, which is neutral and non-polar, at codon 362 of the MAGED2 protein (p.Thr362Met).

NM_177433.3(MAGED2):c.1085C>T (p.Thr362Met)

Gene: MAGED2 (MAGE family member D2; plus strand). Cytogenetic location: Xp11.21.
Variant type: single nucleotide variant.
Coding change: c.1085C>T on transcript NM_177433.3 (MANE Select); coding-DNA position 1085, C replaced by T.
Protein change: p.Thr362Met; replaces threonine 362 with methionine.
Molecular consequence: missense variant.
Genome position (GRCh38, 1-based): chrX:54,812,251, C>T. VCF-style: chrX-54812251-C-T. GRCh37 (hg19) VCF-style: chrX-54838684-C-T.
Other names: c.1085C>T, p.Thr362Met (NM_014599.6, NM_201222.3); short protein forms T362M.
Identifiers: ClinVar variation 2876461 (VCV002876461.3), dbSNP rs1272429541, ClinGen allele CA413272465.